The following is an entry in ClinVar:

ClinVar aggregate classification (germline): Benign/Likely benign. Review status: criteria provided, multiple submitters, no conflicts (2 of 4 stars). 10 submissions from 9 submitters: Benign (8); Likely benign (1). 1 of the submissions does not count toward it. Last evaluated 2026-02-04.

Conditions:
Retinitis pigmentosa 39 (RP39). Identifiers: Orphanet 791, MedGen C3151138, MONDO:0013436, OMIM 613809.
Usher syndrome type 2A. Also called: RETINAL DISEASE IN USHER SYNDROME TYPE IIA, MODIFIER OF; USHER SYNDROME, TYPE IIA. Identifiers: Orphanet 231178, Orphanet 886, MedGen C1848634, MONDO:0010169, OMIM 276901.

Allele frequency attached by ClinVar (database versions not stated): gnomAD exomes 0.00258 and 0.00717; ExAC 0.00876; gnomAD 0.02748 and 0.02977; 1000 Genomes Project 0.03055; TOPMed 0.03161; ESP Exome Variant Server 0.03275; 1000 Genomes Project 30x 0.03357.

Submissions (10):

Labcorp Genetics (formerly Invitae), Labcorp
Classification: Benign. Last evaluated: 2026-02-04. Review status: criteria provided, single submitter. Criteria: Invitae Variant Classification Sherloc (09022015). Collection method: clinical testing. Allele origin: germline.

Women's Health and Genetics/Laboratory Corporation of America, LabCorp
Classification: Likely benign. Last evaluated: 2025-10-13. Review status: criteria provided, single submitter. Criteria: LabCorp Variant Classification Summary - May 2015. Collection method: clinical testing. Allele origin: germline.

Genome-Nilou Lab
Classification: Benign for Retinitis pigmentosa 39. Last evaluated: 2023-11-04. Review status: criteria provided, single submitter. Criteria: ACMG Guidelines, 2015. Collection method: clinical testing. Allele origin: germline. Affected: no.

Genome-Nilou Lab
Classification: Benign for Usher syndrome type 2A. Last evaluated: 2023-11-04. Review status: criteria provided, single submitter. Criteria: ACMG Guidelines, 2015. Collection method: clinical testing. Allele origin: germline. Affected: no.

Athena Diagnostics
Classification: Benign. Last evaluated: 2019-02-11. Review status: criteria provided, single submitter. Criteria: Athena Diagnostics Criteria. Collection method: clinical testing. Allele origin: germline.

GeneDx
Classification: Benign. Last evaluated: 2015-03-03. Review status: criteria provided, single submitter. Criteria: GeneDx Variant Classification Process June 2021. Collection method: clinical testing. Allele origin: germline. Affected: yes.

Eurofins Ntd Llc (ga)
Classification: Benign. Last evaluated: 2014-09-15. Review status: criteria provided, single submitter. Criteria: EGL Classification Definitions 2015. Collection method: clinical testing. Allele origin: germline. Observed: 1 variant allele, 1 heterozygote.

Laboratory for Molecular Medicine, Mass General Brigham Personalized Medicine
Classification: Benign. Last evaluated: 2010-12-14. Review status: criteria provided, single submitter. Criteria: LMM Criteria. Collection method: clinical testing. Allele origin: germline. Observed: 49 variant alleles.
Comment: Val3612Val in exon 55 of USH2A: This variant is not expected to have clinical si gnificance because it does not alter an amino acid residue, is not located near a splice junction and is listed in dbSNP (rs61276761, 5/50 Black chromosomes).

Breakthrough Genomics
Classification: Benign. Review status: criteria provided, single submitter. Criteria: ACMG Guidelines, 2015. Collection method: not provided. Allele origin: germline. Inheritance: Autosomal recessive inheritance. Affected: yes.

Natera, Inc.
Classification: Benign for Usher syndrome type 2A. Last evaluated: 2020-09-16. Review status: no assertion criteria provided. Collection method: clinical testing. Allele origin: germline. Not counted in ClinVar's aggregate classification.

NM_206933.4(USH2A):c.10836C>A (p.Val3612=)

Gene: USH2A (usherin; minus strand). Cytogenetic location: 1q41.
Variant type: single nucleotide variant.
Coding change: c.10836C>A on transcript NM_206933.4 (MANE Select); coding-DNA position 10836, C replaced by A.
Protein change: p.Val3612=; no amino-acid change (valine 3612 retained).
Molecular consequence: synonymous variant.
Genome position (GRCh38, 1-based): chr1:215,779,946, G>T on the plus strand (C>A on the coding strand, the complement: USH2A is on the minus strand). VCF-style: chr1-215779946-G-T. GRCh37 (hg19) VCF-style: chr1-215953288-G-T.
Identifiers: ClinVar variation 48359 (VCV000048359.26), dbSNP rs61276761, ClinGen allele CA143233.